The following is an entry in ClinVar:

NM_000053.4(ATP7B):c.2845GTT[1] (p.Val950del)

Gene: ATP7B (ATPase copper transporting beta; minus strand). Cytogenetic location: 13q14.3.
Variant type: Microsatellite.
Coding change: c.2845GTT[1] on transcript NM_000053.4 (MANE Select); one copy of the 3-base unit GTT starting at c.2845; the reference has two copies in a row; one copy, 3 bases deleted.
Protein change: p.Val950del; deletes valine 950.
Molecular consequence: inframe deletion. On other transcripts: intron variant (1).
Genome position (GRCh38, 1-based): chr13:51,949,677-51,949,679, AAC deleted on the plus strand (GTT on the coding strand, the reverse complement: ATP7B is on the minus strand); deleting any 3 consecutive bases within chr13:51,949,677-51,949,683 gives the same sequence; the position shown is the placement nearest the transcript's 3' end. VCF-style (leftmost placement, unchanged base first): chr13-51949676-GAAC-G. GRCh37 (hg19) VCF-style: chr13-52523812-GAAC-G.
Other names: c.2512GTT[1], p.Val839del (NM_001243182.2); c.2611GTT[1], p.Val872del (NM_001330578.2); c.2593GTT[1], p.Val866del (NM_001330579.2); c.2244+328_2244+330del (NM_001005918.3); short protein forms V950del, V872del, V839del, V866del.
Identifiers: ClinVar variation 555345 (VCV000555345.3), dbSNP rs1424494639, ClinGen allele CA610425773.

ClinVar aggregate classification (germline): Uncertain significance. Review status: criteria provided, single submitter (1 of 4 stars). 2 submissions from 2 submitters: Uncertain significance (1). 1 of the submissions does not count toward it. Last evaluated 2024-05-20.

Conditions:
Wilson disease (WND). Also called: Wilson's disease. Identifiers: Orphanet 905, MedGen C0019202, MONDO:0010200, OMIM 277900. Disease mechanism: loss of function.

Submissions (2):

ARUP Laboratories, Molecular Genetics and Genomics, ARUP Laboratories
Classification: Uncertain significance for Wilson disease. Last evaluated: 2024-05-20. Review status: criteria provided, single submitter. Criteria: ARUP Molecular Germline Variant Investigation Process 2024. Collection method: clinical testing. Allele origin: germline.
Comment: The ATP7B c.2848_2850del p.Val950del variant (rs1424494639), to our knowledge, is not reported in the medical literature but is reported in ClinVar (Variation ID: 555345). This variant is only observed on one allele in the Genome Aggregation Database (v2.1.1), indicating it is not a common polymorphism. This variant deletes a single valine residue in the transmembrane HAD-like domain leaving the rest of the protein in-frame. Due to limited information, the clinical significance of this variant is uncertain at this time.

Counsyl
Classification: Uncertain significance for Wilson disease. Last evaluated: 2017-12-01. Review status: no assertion criteria provided. Collection method: clinical testing. Allele origin: unknown. Not counted in ClinVar's aggregate classification.